The following is an entry in ClinVar:

ClinVar aggregate classification (germline): Uncertain significance (1 of 4 stars; one submission).

Conditions:
Meckel-Gruber syndrome. Also called: GRUBER SYNDROME; DYSENCEPHALIA SPLANCHNOCYSTICA; Dysencephalia splachnocystica. Identifiers: Orphanet 564, MedGen C0265215, MONDO:0018921.
Joubert syndrome. Also called: Familial aplasia of the vermis; JOUBERT-BOLTSHAUSER SYNDROME; CEREBELLOPARENCHYMAL DISORDER IV. Identifiers: Orphanet 475, MedGen C5979921, MONDO:0018772.
Nephronophthisis. Also called: Juvenile Nephronophthisis. Identifiers: Orphanet 655, MedGen C0687120, MONDO:0019005, HP:0000090.

Submission:

Labcorp Genetics (formerly Invitae), Labcorp
Classification: Uncertain significance for Joubert syndrome; Meckel-Gruber syndrome; Nephronophthisis. Last evaluated: 2026-01-11. Review status: criteria provided, single submitter. Criteria: Invitae Variant Classification Sherloc (09022015). Collection method: clinical testing. Allele origin: germline.
Comment: This sequence change falls in intron 15 of the CEP290 gene. It does not directly change the encoded amino acid sequence of the CEP290 protein. It affects a nucleotide within the consensus splice site. This variant is not present in population databases (gnomAD no frequency). This variant has not been reported in the literature in individuals affected with CEP290-related conditions. Variants that disrupt the consensus splice site are a relatively common cause of aberrant splicing (PMID: 17576681, 9536098). Algorithms developed to predict the effect of sequence changes on RNA splicing suggest that this variant is not likely to affect RNA splicing. In summary, the available evidence is currently insufficient to determine the role of this variant in disease. Therefore, it has been classified as a Variant of Uncertain Significance.

Literature cited by the submitters: PubMed 17576681; PubMed 9536098.

NM_025114.4(CEP290):c.1523-3T>C

Gene: CEP290 (centrosomal protein 290; minus strand). Cytogenetic location: 12q21.32.
Variant type: single nucleotide variant.
Coding change: c.1523-3T>C on transcript NM_025114.4 (MANE Select); 3 bases into the intron before coding-DNA position 1523, T replaced by C.
Molecular consequence: intron variant.
Genome position (GRCh38, 1-based): chr12:88,118,746, A>G on the plus strand (T>C on the coding strand, the complement: CEP290 is on the minus strand). VCF-style: chr12-88118746-A-G. GRCh37 (hg19) VCF-style: chr12-88512523-A-G.
Identifiers: ClinVar variation 4787230 (VCV004787230.1).